The following is an entry in ClinVar:

NM_003047.5(SLC9A1):c.864C>T (p.Ile288=)

Gene: SLC9A1 (solute carrier family 9 member A1; minus strand). Cytogenetic location: 1p36.11.
Variant type: single nucleotide variant.
Coding change: c.864C>T on transcript NM_003047.5 (MANE Select); coding-DNA position 864, C replaced by T.
Protein change: p.Ile288=; no amino-acid change (isoleucine 288 retained).
Molecular consequence: synonymous variant. On other transcripts: non-coding transcript variant (1).
Genome position (GRCh38, 1-based): chr1:27,109,727, G>A on the plus strand (C>T on the coding strand, the complement: SLC9A1 is on the minus strand). VCF-style: chr1-27109727-G-A. GRCh37 (hg19) VCF-style: chr1-27436218-G-A.
Identifiers: ClinVar variation 2638554 (VCV002638554.28), dbSNP rs760094376, ClinGen allele CA711240.
Genomic context (GRCh38, chr1:27,109,727, plus strand): 5'-CACAAGCACCCCGCCCAGGGCCACCACGAAGAAGCTCAGGAAGCCGAGGAAGATGTCCAC[G>A]ATGCCCACGTGTTCGTAGTTGGCAAACTCCTCAAAGAGGTGATACAGGACCTGGGGAGGG-3'
Protein context (NP_003038.2, residues 278-298): EEFANYEHVG[Ile288=]VDIFLGFLSF

ClinVar aggregate classification (germline): Likely benign. Review status: criteria provided, multiple submitters, no conflicts (2 of 4 stars). 3 submissions from 3 submitters: Likely benign (3). Last evaluated 2025-06-12.

Allele frequency attached by ClinVar (database versions not stated): gnomAD 0.00005; gnomAD exomes 0.00005; ExAC 0.00007; TOPMed 0.00009.
gnomAD v4.1: 81 of 1,614,088 alleles (0.005%); highest among the groups gnomAD compares: Middle Eastern, 0.033%; no homozygotes.

Submissions (3):

Labcorp Genetics (formerly Invitae), Labcorp
Classification: Likely benign. Last evaluated: 2025-06-12. Review status: criteria provided, single submitter. Criteria: Invitae Variant Classification Sherloc (09022015). Collection method: clinical testing. Allele origin: germline.

Blueprint Genetics
Classification: Likely benign. Last evaluated: 2024-08-11. Review status: criteria provided, single submitter. Criteria: ACMG Guidelines, 2015. Collection method: clinical testing. Allele origin: germline.

CeGaT Center for Human Genetics Tuebingen
Classification: Likely benign. Last evaluated: 2022-07-01. Review status: criteria provided, single submitter. Criteria: CeGaT Center For Human Genetics Tuebingen Variant Classification Criteria Version 2. Collection method: clinical testing. Allele origin: germline. Affected: yes. Observed: 1 variant allele.
Comment: SLC9A1: BP4, BP7